The following is an entry in ClinVar:

NM_004329.3(BMPR1A):c.537T>C (p.Tyr179=)

Gene: BMPR1A (bone morphogenetic protein receptor type 1A; plus strand). Cytogenetic location: 10q23.2.
Variant type: single nucleotide variant.
Coding change: c.537T>C on transcript NM_004329.3 (MANE Select); coding-DNA position 537, T replaced by C.
Protein change: p.Tyr179=; no amino-acid change (tyrosine 179 retained).
Molecular consequence: synonymous variant.
Genome position (GRCh38, 1-based): chr10:86,912,246, T>C. VCF-style: chr10-86912246-T-C. GRCh37 (hg19) VCF-style: chr10-88672003-T-C.
Identifiers: ClinVar variation 760201 (VCV000760201.11), dbSNP rs1305949468, ClinGen allele CA470307585.
Genomic context (GRCh38, chr10:86,912,246, plus strand): 5'-AGGGTTTTATAGTTTTTCATTTTTAATGTAGATTGTTTTCTGCTTTTTTAAAAGACATTA[T>C]TGCAAGAGCATCTCAAGCAGACGTCGTTACAATCGTGATTTGGAACAGGATGAAGCATTT-3'
Protein context (NP_004320.2, residues 169-189): IFSSCFCYKH[Tyr179=]CKSISSRRRY

ClinVar aggregate classification (germline): Benign/Likely benign. Review status: criteria provided, multiple submitters, no conflicts (2 of 4 stars). 3 submissions from 3 submitters: Benign (1); Likely benign (2). Last evaluated 2025-04-16.

Conditions:
Juvenile polyposis syndrome (JPS). Identifiers: Orphanet 2929, MedGen C0345893, MONDO:0017380, OMIM 174900.
Hereditary cancer-predisposing syndrome. Also called: Tumor predisposition; Hereditary Cancer Syndrome; Neoplastic Syndromes, Hereditary; Hereditary neoplastic syndrome. Identifiers: Orphanet 140162, MedGen C0027672, MeSH D009386, MONDO:0015356.

Allele frequency attached by ClinVar (database versions not stated): gnomAD exomes below 0.00001.
gnomAD v4.1: 1 of 1,613,360 alleles (0.000062%); highest among the groups gnomAD compares: Non-Finnish European, 0.000085%; no homozygotes.

Submissions (3):

Labcorp Genetics (formerly Invitae), Labcorp
Classification: Likely benign for Juvenile polyposis syndrome. Last evaluated: 2025-04-16. Review status: criteria provided, single submitter. Criteria: Invitae Variant Classification Sherloc (09022015). Collection method: clinical testing. Allele origin: germline.

Myriad Genetics, Inc.
Classification: Benign for Juvenile polyposis syndrome. Last evaluated: 2024-08-01. Review status: criteria provided, single submitter. Criteria: Myriad Autosomal Dominant, Autosomal Recessive and X-Linked Classification Criteria (2023). Collection method: clinical testing. Allele origin: unknown.
Comment: This variant is considered benign. This variant is a silent/synonymous amino acid change and it is not expected to impact splicing.

Ambry Genetics
Classification: Likely benign for Hereditary cancer-predisposing syndrome. Last evaluated: 2020-05-09. Review status: criteria provided, single submitter. Criteria: Ambry Variant Classification Scheme 2023. Collection method: clinical testing. Allele origin: germline.